The following is an entry in ClinVar:

ClinVar aggregate classification (germline): Benign. Review status: reviewed by expert panel (3 of 4 stars). 20 submissions from 20 submitters: Benign (1). 19 of the submissions do not count toward it. Last evaluated 2023-08-10.

Conditions:
CDH1-related disorder. Also called: CDH1-related condition.
CDH1-related diffuse gastric and lobular breast cancer syndrome. Also called: CDH1-related diffuse gastric and lobular breast cancer. Identifiers: MedGen CN311521, MONDO:0100488.
Hereditary cancer-predisposing syndrome. Also called: Tumor predisposition; Hereditary neoplastic syndrome; Hereditary Cancer Syndrome; Neoplastic Syndromes, Hereditary. Identifiers: Orphanet 140162, MedGen C0027672, MeSH D009386, MONDO:0015356.
Hereditary diffuse gastric adenocarcinoma (HDGC). Also called: DIFFUSE GASTRIC AND LOBULAR BREAST CANCER SYNDROME. Identifiers: Orphanet 26106, MedGen C1708349, MONDO:0007648, OMIM 137215.
Malignant tumor of breast. Also called: Cancer breast; Malignant breast neoplasm. Identifiers: MedGen C0006142, MONDO:0007254. Disease mechanism: loss of function.

Allele frequency attached by ClinVar (database versions not stated): gnomAD exomes 0.00001 and 0.00005; gnomAD 0.00006 and 0.00007; ExAC 0.00007; TOPMed 0.00008.
gnomAD v4.1: 54 of 1,614,228 alleles (0.0033%); highest among the groups gnomAD compares: East Asian, 0.029%; no homozygotes.

Submissions (20):

Clingen Gastric Cancer Variant Curation Expert Panel
Classification: Benign for CDH1-related diffuse gastric and lobular breast cancer syndrome. Last evaluated: 2023-08-10. Review status: reviewed by expert panel. Criteria: ClinGen CDH1 ACMG Specifications V3.1. Collection method: curation. Allele origin: germline. Inheritance: Autosomal dominant inheritance.
Comment: The c.1298A>G (p.Asp433Gly) variant was observed at least twice in the homozygous state in individuals without a personal and/or family history of diffuse gastric cancer, signet ring cell tumor or lobular breast cancer (BP2_Strong; SCV000253407.6). This variant has also been observed in >10 individuals without a diagnosis of diffuse gastric cancer, signet ring cell tumor or lobular breast cancer and whose family histories do not suggest HDGC (BS2; internal laboratory contributors). In summary, this variant meets criteria to be classified as benign. ACMG/AMP criteria applied, as specified by the CDH1 Variant Curation Expert Panel (Variant Interpretation Guidelines Version 3.1): BP2_Strong, BS2.

Labcorp Genetics (formerly Invitae), Labcorp
Classification: Benign for Hereditary diffuse gastric adenocarcinoma. Last evaluated: 2026-02-04. Review status: criteria provided, single submitter. Criteria: Invitae Variant Classification Sherloc (09022015). Collection method: clinical testing. Allele origin: germline. Not counted in ClinVar's aggregate classification.

Center for Genomic Medicine, Rigshospitalet, Copenhagen University Hospital
Classification: Benign. Last evaluated: 2025-03-04. Review status: criteria provided, single submitter. Criteria: ACMG Guidelines, 2015. Collection method: clinical testing. Allele origin: germline. Not counted in ClinVar's aggregate classification.

Quest Diagnostics Nichols Institute San Juan Capistrano
Classification: Likely benign. Last evaluated: 2025-02-03. Review status: criteria provided, single submitter. Criteria: Quest Diagnostics criteria. Collection method: clinical testing. Allele origin: unknown. Not counted in ClinVar's aggregate classification.

Institute for Biomarker Research, Medical Diagnostic Laboratories, L.L.C.
Classification: Likely benign for Hereditary cancer-predisposing syndrome. Last evaluated: 2024-03-22. Review status: criteria provided, single submitter. Criteria: ACMG Guidelines, 2015. Collection method: clinical testing. Allele origin: germline. Not counted in ClinVar's aggregate classification.

CeGaT Center for Human Genetics Tuebingen
Classification: Likely benign. Last evaluated: 2024-01-01. Review status: criteria provided, single submitter. Criteria: CeGaT Center For Human Genetics Tuebingen Variant Classification Criteria Version 2. Collection method: clinical testing. Allele origin: germline. Affected: yes. Observed: 1 variant allele. Not counted in ClinVar's aggregate classification.
Comment: CDH1: BP4

Revvity Omics, Revvity
Classification: Uncertain significance. Last evaluated: 2023-08-22. Review status: criteria provided, single submitter. Criteria: ACMG Guidelines, 2015. Collection method: clinical testing. Allele origin: germline. Not counted in ClinVar's aggregate classification.

Myriad Genetics, Inc.
Classification: Likely benign for Hereditary diffuse gastric adenocarcinoma. Last evaluated: 2023-03-06. Review status: criteria provided, single submitter. Criteria: Myriad Autosomal Dominant, Autosomal Recessive and X-Linked Classification Criteria (2023). Collection method: clinical testing. Allele origin: unknown. Not counted in ClinVar's aggregate classification.
Comment: This variant is considered likely benign. Homozygosity has been confirmed in one or more individuals. As homozygosity for pathogenic variants in this gene is generally assumed to result in embryonic lethality, this variant is unlikely to be pathogenic.

Sema4
Classification: Likely benign for Hereditary cancer-predisposing syndrome. Last evaluated: 2021-07-30. Review status: criteria provided, single submitter. Criteria: Sema4 Curation Guidelines. Collection method: curation. Allele origin: germline. Not counted in ClinVar's aggregate classification.

GeneDx
Classification: Likely benign. Last evaluated: 2021-03-25. Review status: criteria provided, single submitter. Criteria: GeneDx Variant Classification Process June 2021. Collection method: clinical testing. Allele origin: germline. Affected: yes. Not counted in ClinVar's aggregate classification.
Comment: This variant is associated with the following publications: (PMID: 30680046)

Women's Health and Genetics/Laboratory Corporation of America, LabCorp
Classification: Benign. Last evaluated: 2019-03-25. Review status: criteria provided, single submitter. Criteria: LabCorp Variant Classification Summary - May 2015. Collection method: clinical testing. Allele origin: germline. Not counted in ClinVar's aggregate classification.
Comment: Variant summary: CDH1 c.1298A>G (p.Asp433Gly) results in a non-conservative amino acid change in the encoded protein sequence. Three of five in-silico tools predict a damaging effect of the variant on protein function. The variant allele was found at a frequency of 4.5e-05 in 246262 control chromosomes. The observed variant frequency is approximately 1.6 fold of the estimated maximal expected allele frequency for a pathogenic variant in CDH1 causing Hereditary Diffuse Gastric Cancer phenotype (2.8e-05), strongly suggesting that the variant is benign. c.1298A>G has been reported in the literature in one individual with Hypodiploid ALL. This report does not provide unequivocal conclusions about association of the variant with Hereditary Diffuse Gastric Cancer . Co-occurrences with another pathogenic variant have been reported (CHEK2 c.319+2T>A), providing supporting evidence for a benign role. To our knowledge, no experimental evidence demonstrating an impact on protein function has been reported. Eight clinical diagnostic laboratories or groups have submitted clinical-significance assessments for this variant to ClinVar after 2014 without evidence for independent evaluation. Six of them, including a FDA-approved expert panel, classifed this variant as benign/likely benign. Based on the evidence outlined above, the variant was classified as benign.

Ambry Genetics
Classification: Benign for Hereditary cancer-predisposing syndrome. Last evaluated: 2019-01-17. Review status: criteria provided, single submitter. Criteria: Ambry Variant Classification Scheme 2023. Collection method: clinical testing. Allele origin: germline. Not counted in ClinVar's aggregate classification.

Illumina Laboratory Services, Illumina
Classification: Benign for Hereditary diffuse gastric adenocarcinoma. Last evaluated: 2018-01-12. Review status: criteria provided, single submitter. Criteria: ICSL Variant Classification Criteria 13 December 2019. Collection method: clinical testing. Allele origin: germline. Not counted in ClinVar's aggregate classification.
Comment: This variant was observed in the ICSL laboratory as part of a predisposition screen in an ostensibly healthy population. It had not been previously curated by ICSL or reported in the Human Gene Mutation Database (HGMD: prior to June 1st, 2018), and was therefore a candidate for classification through an automated scoring system. Utilizing variant allele frequency, disease prevalence and penetrance estimates, and inheritance mode, an automated score was calculated to assess if this variant is too frequent to cause the disease. Based on the score and internal cut-off values, a variant classified as benign is not then subjected to further curation. The score for this variant resulted in a classification of benign for this disease.

Color Diagnostics, LLC DBA Color Health
Classification: Likely benign for Hereditary cancer-predisposing syndrome. Last evaluated: 2017-02-16. Review status: criteria provided, single submitter. Criteria: ACMG Guidelines, 2015. Collection method: clinical testing. Allele origin: germline. Not counted in ClinVar's aggregate classification.

PreventionGenetics, part of Exact Sciences
Classification: Likely benign for CDH1-related condition. Last evaluated: 2019-02-26. Review status: no assertion criteria provided. Collection method: clinical testing. Allele origin: germline. Not counted in ClinVar's aggregate classification.
Comment: This variant is classified as likely benign based on ACMG/AMP sequence variant interpretation guidelines (Richards et al. 2015 PMID: 25741868, with internal and published modifications).

Counsyl
Classification: Uncertain significance for Hereditary diffuse gastric adenocarcinoma. Last evaluated: 2016-01-20. Review status: no assertion criteria provided. Collection method: clinical testing. Allele origin: unknown. Not counted in ClinVar's aggregate classification.

Clinical Genetics DNA and cytogenetics Diagnostics Lab, Erasmus MC, Erasmus Medical Center
Classification: Likely benign. Review status: no assertion criteria provided. Collection method: clinical testing. Allele origin: germline. Affected: yes. Study: VKGL Data-share Consensus. Not counted in ClinVar's aggregate classification.

Clinical Genetics, Academic Medical Center
Classification: Likely benign. Review status: no assertion criteria provided. Collection method: clinical testing. Allele origin: germline. Affected: yes. Study: VKGL Data-share Consensus. Not counted in ClinVar's aggregate classification.

Department of Pathology and Laboratory Medicine, Sinai Health System
Classification: Likely benign for Malignant tumor of breast. Review status: no assertion criteria provided. Collection method: clinical testing. Allele origin: unknown. Affected: yes. Study: The Canadian Open Genetics Repository (COGR). Not counted in ClinVar's aggregate classification.
Comment: The CDH1 p.Asp433Gly variant was not identified in the literature nor was it identified in the Cosmic, MutDB, Insight Colon Cancer Gene Variant Database, and Zhejiang Colon Cancer Database. The variant was identified in dbSBP (ID: rs376097289) â€šÃ„ÃºWith other alleleâ€šÃ„Ã¹ and ClinVar (classified as likely benign by Ambry Genetics, GeneDx, Invitae and Illumina; and as uncertain significance by Counsyl). The variant was observed in control databases in 11 of 246262 chromosomes at a frequency of 0.00005 (Genome Aggregation Consortium Feb 27, 2017). The variant was observed in the following populations: East Asian in 9 of 17248 chromosomes (freq: 0.0005), European in 1 of 111710 chromosomes (freq: 0.000009), and Other in 1 of 5486 chromosomes (freq: 0.0002), while it was not observed in the African, Latino, Ashkenazi Jewish, Finnish, or South Asian populations. The p.Asp433 residue is not conserved in mammals and computational analyses (PolyPhen-2, SIFT, AlignGVGD, BLOSUM, MutationTaster) provide inconsistent predictions regarding the impact to the protein; this information is not very predictive of pathogenicity. The variant occurs outside of the splicing consensus sequence and 5 of 5 in silico or computational prediction software programs (SpliceSiteFinder, MaxEntScan, NNSPLICE, GeneSplicer, HumanSpliceFinder) do not predict a greater than 10% difference in splicing. In summary, based on the above information the clinical significance of this variant cannot be determined with certainty at this time although we would lean to a more benign role. This variant is classified as likely benign.

Genome Diagnostics Laboratory, Amsterdam University Medical Center
Classification: Likely benign. Review status: no assertion criteria provided. Collection method: clinical testing. Allele origin: germline. Affected: yes. Study: VKGL Data-share Consensus. Not counted in ClinVar's aggregate classification.

Literature cited by the submitters: PubMed 33471991 (cited by Quest Diagnostics Nichols Institute San Juan Capistrano); PubMed 23290073 (cited by Ambry Genetics).

NM_004360.5(CDH1):c.1298A>G (p.Asp433Gly)

Gene: CDH1 (cadherin 1; plus strand). Cytogenetic location: 16q22.1.
Variant type: single nucleotide variant.
Coding change: c.1298A>G on transcript NM_004360.5 (MANE Select); coding-DNA position 1298, A replaced by G.
Protein change: p.Asp433Gly; replaces aspartic acid 433 with glycine.
Molecular consequence: missense variant. On other transcripts: 5 prime UTR variant (2), intron variant (1).
Genome position (GRCh38, 1-based): chr16:68,813,473, A>G. VCF-style: chr16-68813473-A-G. GRCh37 (hg19) VCF-style: chr16-68847376-A-G.
Other names: p.D433G:GAT>GGT; NM_004360.4(CDH1):c.1298A>G; c.1298A>G (LRG_301t1); c.-318A>G (NM_001317185.2); c.-522A>G (NM_001317186.2); c.1137+1210A>G (NM_001317184.2); short protein forms D433G.
Identifiers: ClinVar variation 141810 (VCV000141810.65), dbSNP rs376097289, ClinGen allele CA294197.
Genomic context (GRCh38, chr16:68,813,473, plus strand): 5'-ACACCATATTGAATGATGATGGTGGACAATTTGTCGTCACCACAAATCCAGTGAACAACG[A>G]TGGCATTTTGAAAACAGCAAAGGTTTGTATGGTACCTGGCAAGATGCAGAAACTGGCATC-3'
Protein context (NP_004351.1, residues 423-443): FVVTTNPVNN[Asp433Gly]GILKTAKGLD